The following is an entry in ClinVar:

NM_003384.3(VRK1):c.388A>T (p.Ile130Leu)

Gene: VRK1 (VRK serine/threonine kinase 1; plus strand). Cytogenetic location: 14q32.2.
Variant type: single nucleotide variant.
Coding change: c.388A>T on transcript NM_003384.3 (MANE Select); coding-DNA position 388, A replaced by T.
Protein change: p.Ile130Leu; replaces isoleucine 130 with leucine.
Molecular consequence: missense variant.
Genome position (GRCh38, 1-based): chr14:96,852,844, A>T. VCF-style: chr14-96852844-A-T. GRCh37 (hg19) VCF-style: chr14-97319181-A-T.
Other names: c.388A>T (NM_003384.2); c.388A>T, p.Ile130Leu (NM_001411051.1, NM_001411053.1); short protein forms I130L.
Identifiers: ClinVar variation 1983485 (VCV001983485.3), dbSNP rs1888003806, ClinGen allele CA390930235.

ClinVar aggregate classification (germline): Uncertain significance. Review status: criteria provided, multiple submitters, no conflicts (2 of 4 stars). 2 submissions from 2 submitters: Uncertain significance (2). Last evaluated 2023-06-02.

Conditions:
Inborn genetic diseases. Identifiers: MedGen C0950123, MeSH D030342.
Pontocerebellar hypoplasia type 1A (PCH1A). Also called: PONTOCEREBELLAR HYPOPLASIA WITH ANTERIOR HORN CELL DISEASE; PONTOCEREBELLAR HYPOPLASIA WITH INFANTILE SPINAL MUSCULAR ATROPHY. Identifiers: Orphanet 2254, Orphanet 88616, MedGen C1843504, MONDO:0011866, OMIM 607596.

Allele frequency attached by ClinVar (database versions not stated): gnomAD exomes below 0.00001.
gnomAD v4.1: 3 of 1,613,814 alleles (0.00019%); highest among the groups gnomAD compares: Non-Finnish European, 0.00025%; no homozygotes.

Submissions (2):

Ambry Genetics
Classification: Uncertain significance for Inborn genetic diseases. Last evaluated: 2023-06-02. Review status: criteria provided, single submitter. Criteria: Ambry Variant Classification Scheme 2023. Collection method: clinical testing. Allele origin: germline.

Labcorp Genetics (formerly Invitae), Labcorp
Classification: Uncertain significance for Pontocerebellar hypoplasia type 1A. Last evaluated: 2022-05-01. Review status: criteria provided, single submitter. Criteria: Invitae Variant Classification Sherloc (09022015). Collection method: clinical testing. Allele origin: germline.
Comment: This sequence change replaces isoleucine, which is neutral and non-polar, with leucine, which is neutral and non-polar, at codon 130 of the VRK1 protein (p.Ile130Leu). This variant is not present in population databases (gnomAD no frequency). This variant has not been reported in the literature in individuals affected with VRK1-related conditions. Algorithms developed to predict the effect of missense changes on protein structure and function (SIFT, PolyPhen-2, Align-GVGD) all suggest that this variant is likely to be tolerated. In summary, the available evidence is currently insufficient to determine the role of this variant in disease. Therefore, it has been classified as a Variant of Uncertain Significance.